The following is an entry in ClinVar:

NM_001378452.1(ITPR1):c.3485A>G (p.His1162Arg)

Gene: ITPR1 (inositol 1,4,5-trisphosphate receptor type 1; plus strand). Cytogenetic location: 3p26.1.
Variant type: single nucleotide variant.
Coding change: c.3485A>G on transcript NM_001378452.1 (MANE Select); coding-DNA position 3485, A replaced by G.
Protein change: p.His1162Arg; replaces histidine 1162 with arginine.
Molecular consequence: missense variant.
Genome position (GRCh38, 1-based): chr3:4,683,785, A>G. VCF-style: chr3-4683785-A-G. GRCh37 (hg19) VCF-style: chr3-4725469-A-G.
Other names: c.3458A>G, p.His1153Arg (NM_001099952.4); c.3440A>G, p.His1147Arg (NM_001168272.2); c.3413A>G, p.His1138Arg (NM_002222.7); short protein forms H1138R, H1147R, H1153R, H1162R.
Identifiers: ClinVar variation 1309609 (VCV001309609.2), dbSNP rs1222841771, ClinGen allele CA351651230.
Genomic context (GRCh38, chr3:4,683,785, plus strand): 5'-GGGTGTACAAAGGGCAGGGCCCCGATGAGACTATGGATGGTGCATCTGGAGAAAATGAAC[A>G]TAAGAAAACGGAGGTGAGTGAAACACAAGTTATGCTGCCAAAGTGGATGGATGGGCTTCT-3'
Protein context (NP_001365381.1, residues 1152-1172): TMDGASGENE[His1162Arg]KKTEEGNNKP

ClinVar aggregate classification (germline): Uncertain significance (1 of 4 stars; one submission).

Allele frequency attached by ClinVar (database versions not stated): TOPMed 0.00002.

Submission:

GeneDx
Classification: Uncertain significance. Last evaluated: 2021-02-24. Review status: criteria provided, single submitter. Criteria: GeneDx Variant Classification Process June 2021. Collection method: clinical testing. Allele origin: germline. Affected: yes.
Comment: Not observed in large population cohorts (Lek et al., 2016); In silico analysis, which includes protein predictors and evolutionary conservation, supports a deleterious effect; In silico analysis supports that this missense variant does not alter protein structure/function; Has not been previously published as pathogenic or benign to our knowledge